The following is an entry in ClinVar:

ClinVar aggregate classification (germline): Likely benign (1 of 4 stars; one submission).

gnomAD v4.1: 29 of 1,613,716 alleles (0.0018%); highest among the groups gnomAD compares: Non-Finnish European, 0.0024%; no homozygotes.

Submission:

CeGaT Center for Human Genetics Tuebingen
Classification: Likely benign. Last evaluated: 2026-05-01. Review status: criteria provided, single submitter. Criteria: CeGaT Center For Human Genetics Tuebingen Variant Classification Criteria Version 2. Collection method: clinical testing. Allele origin: germline. Affected: yes. Observed: 1 variant allele.
Comment: ZNF280B: BP4, BP7

NM_080764.4(ZNF280B):c.1473A>G (p.Gln491=)

Genes: IGL (immunoglobulin lambda locus; plus strand), ZNF280B (zinc finger protein 280B; minus strand). Cytogenetic location: 22q11.22.
Variant type: single nucleotide variant.
Coding change: c.1473A>G on transcript NM_080764.4 (MANE Select); coding-DNA position 1473, A replaced by G.
Protein change: p.Gln491=; no amino-acid change (glutamine 491 retained).
Molecular consequence: synonymous variant. On other transcripts: non-coding transcript variant (1).
Genome position (GRCh38, 1-based): chr22:22,487,926, T>C on the plus strand (A>G on the coding strand, the complement: ZNF280B is on the minus strand). VCF-style: chr22-22487926-T-C. GRCh37 (hg19) VCF-style: chr22-22842251-T-C.
Identifiers: ClinVar variation 4873140 (VCV004873140.2).